The following is an entry in ClinVar:

ClinVar aggregate classification (germline): Pathogenic/Likely pathogenic. Review status: criteria provided, multiple submitters, no conflicts (2 of 4 stars). 2 submissions from 2 submitters: Pathogenic (1); Likely pathogenic (1). Last evaluated 2018-11-07.

Conditions:
Retinoblastoma (RB1). Also called: RETINOBLASTOMA, SOMATIC. Identifiers: Orphanet 790, MedGen C0035335, MeSH D012175, MONDO:0008380, OMIM 180200, HP:0009919. Disease mechanism: loss of function. Inheritance: Both sporadic and heritable forms are tested..

Allele frequency attached by ClinVar (database versions not stated): gnomAD exomes below 0.00001.
gnomAD v4.1: 2 of 1,270,152 alleles (0.00016%); highest among the groups gnomAD compares: Non-Finnish European, 0.00021%; no homozygotes.

Submissions (2):

Women's Health and Genetics/Laboratory Corporation of America, LabCorp
Classification: Likely pathogenic. Last evaluated: 2018-11-07. Review status: criteria provided, single submitter. Criteria: LabCorp Variant Classification Summary - May 2015. Collection method: clinical testing. Allele origin: germline.
Comment: Variant summary: RB1 c.1390-2A>G is located in a canonical splice-site and is predicted to affect mRNA splicing resulting in a significantly altered protein due to either exon skipping, shortening, or inclusion of intronic material. Several computational tools predict a significant impact on normal splicing: Four predict the variant abolishes a 3' acceptor site. However, these predictions have yet to be confirmed by functional studies. The variant was absent in 29758 control chromosomes. c.1390-2A>G has been reported in the literature in one individual affected with Retinoblastoma. These data do not allow any conclusion about variant significance. To our knowledge, no experimental evidence demonstrating an impact on protein function has been reported. One clinical diagnostic laboratory has submitted clinical-significance assessments for this variant to ClinVar after 2014 without evidence for independent evaluation and classified the variant as pathogenic. Based on the evidence outlined above, the variant was classified as likely pathogenic.

Labcorp Genetics (formerly Invitae), Labcorp
Classification: Pathogenic for Retinoblastoma. Last evaluated: 2017-11-14. Review status: criteria provided, single submitter. Criteria: Invitae Variant Classification Sherloc (09022015). Collection method: clinical testing. Allele origin: germline.
Comment: For these reasons, this variant has been classified as Pathogenic. Donor and acceptor splice site variants typically lead to a loss of protein function (PMID: 16199547), and loss-of-function variants in RB1 are known to be pathogenic (PMID: 17096365). This variant has been reported in individuals affected with retinoblastoma (PMID: 27155049, Invitae). This variant is not present in population databases (ExAC no frequency). This sequence change affects an acceptor splice site in intron 14 of the RB1 gene. It is expected to disrupt RNA splicing and likely results in an absent or disrupted protein product.

Literature cited by the submitters: PubMed 27155049 (cited by Women's Health and Genetics/Laboratory Corporation of America, LabCorp and Labcorp Genetics (formerly Invitae), Labcorp); PubMed 16199547 (cited by Labcorp Genetics (formerly Invitae), Labcorp); PubMed 17096365 (cited by Labcorp Genetics (formerly Invitae), Labcorp).

NM_000321.3(RB1):c.1390-2A>G

Gene: RB1 (RB transcriptional corepressor 1; plus strand). Cytogenetic location: 13q14.2.
Variant type: single nucleotide variant.
Coding change: c.1390-2A>G on transcript NM_000321.3 (MANE Select); the canonical splice acceptor site of the intron before coding-DNA position 1390, A replaced by G.
Molecular consequence: splice acceptor variant.
Genome position (GRCh38, 1-based): chr13:48,380,051, A>G. VCF-style: chr13-48380051-A-G. GRCh37 (hg19) VCF-style: chr13-48954187-A-G.
Other names: c.1390-2A>G (NM_001407165.1, NM_001407166.1).
Identifiers: ClinVar variation 495816 (VCV000495816.10), dbSNP rs1555286568, ClinGen allele CA388162661.